The following is an entry in ClinVar:

NM_000051.4(ATM):c.3695C>G (p.Ser1232Cys)

Gene: ATM (ATM serine/threonine kinase; plus strand). Cytogenetic location: 11q22.3.
Variant type: single nucleotide variant.
Coding change: c.3695C>G on transcript NM_000051.4 (MANE Select); coding-DNA position 3695, C replaced by G.
Protein change: p.Ser1232Cys; replaces serine 1232 with cysteine.
Molecular consequence: missense variant.
Genome position (GRCh38, 1-based): chr11:108,282,828, C>G. VCF-style: chr11-108282828-C-G. GRCh37 (hg19) VCF-style: chr11-108153555-C-G.
Other names: c.3695C>G, p.Ser1232Cys (NM_001351834.2); short protein forms S1232C.
Identifiers: ClinVar variation 246339 (VCV000246339.22), dbSNP rs367603277, ClinGen allele CA10584339.

ClinVar aggregate classification (germline): Uncertain significance. Review status: criteria provided, multiple submitters, no conflicts (2 of 4 stars). 7 submissions from 7 submitters: Uncertain significance (6). 1 of the submissions does not count toward it. Last evaluated 2025-11-24.

Conditions:
Hereditary cancer-predisposing syndrome. Also called: Neoplastic Syndromes, Hereditary; Hereditary Cancer Syndrome; Hereditary neoplastic syndrome; Tumor predisposition. Identifiers: Orphanet 140162, MedGen C0027672, MeSH D009386, MONDO:0015356.
Ataxia-telangiectasia syndrome (AT). Also called: Ataxia telangiectasia (A-T); LOUIS-BAR SYNDROME; Cerebello-oculocutaneous telangiectasia; Immunodeficiency with ataxia telangiectasia; ATAXIA-TELANGIECTASIA, COMPLEMENTATION GROUP A; ATAXIA-TELANGIECTASIA, FRESNO VARIANT. Identifiers: Orphanet 100, MedGen C0004135, MONDO:0008840, OMIM 208900.
Tip-toe gait. Also called: Toe walking. Identifiers: MedGen C0427144, HP:0030051.

Allele frequency attached by ClinVar (database versions not stated): gnomAD 0.00001; TOPMed 0.00001; ESP Exome Variant Server 0.00008.
gnomAD v4.1: 5 of 1,541,894 alleles (0.00032%); highest among the groups gnomAD compares: Admixed American, 0.0017%; no homozygotes.

Submissions (7):

Labcorp Genetics (formerly Invitae), Labcorp
Classification: Uncertain significance for Ataxia-telangiectasia syndrome. Last evaluated: 2025-11-24. Review status: criteria provided, single submitter. Criteria: Invitae Variant Classification Sherloc (09022015). Collection method: clinical testing. Allele origin: germline.
Comment: This sequence change replaces serine, which is neutral and polar, with cysteine, which is neutral and slightly polar, at codon 1232 of the ATM protein (p.Ser1232Cys). This variant is present in population databases (rs367603277, gnomAD 0.0009%). This variant has not been reported in the literature in individuals affected with ATM-related conditions. ClinVar contains an entry for this variant (Variation ID: 246339). Invitae Evidence Modeling of protein sequence and biophysical properties (such as structural, functional, and spatial information, amino acid conservation, physicochemical variation, residue mobility, and thermodynamic stability) indicates that this missense variant is not expected to disrupt ATM protein function with a negative predictive value of 95%. In summary, the available evidence is currently insufficient to determine the role of this variant in disease. Therefore, it has been classified as a Variant of Uncertain Significance.

Ambry Genetics
Classification: Uncertain significance for Hereditary cancer-predisposing syndrome. Last evaluated: 2025-04-19. Review status: criteria provided, single submitter. Criteria: Ambry Variant Classification Scheme 2023. Collection method: clinical testing. Allele origin: germline.
Comment: The p.S1232C variant (also known as c.3695C>G), located in coding exon 24 of the ATM gene, results from a C to G substitution at nucleotide position 3695. The serine at codon 1232 is replaced by cysteine, an amino acid with dissimilar properties. This alteration has been reported in the germline of 1 of 8,920 ethnically matched normal population control subjects but was not seen in 516 samples from a study of chronic lymphocytic leukemia patients of European descent (Tiao G et al. Leukemia, 2017 10;31:2244-2247). This amino acid position is well conserved in available vertebrate species. In addition, this alteration is predicted to be tolerated by in silico analysis. Since supporting evidence is limited at this time, the clinical significance of this alteration remains unclear.

Color Diagnostics, LLC DBA Color Health
Classification: Uncertain significance for Hereditary cancer-predisposing syndrome. Last evaluated: 2021-10-25. Review status: criteria provided, single submitter. Criteria: ACMG Guidelines, 2015. Collection method: clinical testing. Allele origin: germline.
Comment: This missense variant replaces serine with cysteine at codon 1232 of the ATM protein. Computational prediction suggests that this variant may not impact protein structure and function (internally defined REVEL score threshold <= 0.5, PMID: 27666373). To our knowledge, functional studies have not been reported for this variant. This variant has not been reported in individuals affected with hereditary cancer in the literature. This variant has been identified in 1/247840 chromosomes in the general population by the Genome Aggregation Database (gnomAD). The available evidence is insufficient to determine the role of this variant in disease conclusively. Therefore, this variant is classified as a Variant of Uncertain Significance.

Practice for Gait Abnormalities, David Pomarino, Competency Network Toe Walking C/o Practice Pomarino
Classification: Uncertain significance for Tip-toe gait. Last evaluated: 2020-09-11. Review status: criteria provided, single submitter. Criteria: ACMG Guidelines, 2015. Collection method: clinical testing. Allele origin: unknown. Affected: yes.
Comment: Gait disorder

Mendelics
Classification: Uncertain significance for Ataxia-telangiectasia syndrome. Last evaluated: 2019-05-28. Review status: criteria provided, single submitter. Criteria: Mendelics Assertion Criteria 2017. Collection method: clinical testing. Allele origin: unknown.

GeneDx
Classification: Uncertain significance. Last evaluated: 2016-01-20. Review status: criteria provided, single submitter. Criteria: GeneDx Variant Classification (06012015). Collection method: clinical testing. Allele origin: germline. Affected: yes.
Comment: This variant is denoted ATM c.3695C>G at the cDNA level, p.Ser1232Cys (S1232C) at the protein level, and results in the change of a Serine to a Cysteine (TCT>TGT). This variant has not, to our knowledge, been published in the literature as pathogenic or benign. ATM Ser1232Cys was not observed at a significant allele frequency in the NHLBI Exome Sequencing Project. Since Serine and Cysteine differ in polarity, charge, size or other properties, this is considered a non-conservative amino acid substitution. ATM Ser1232Cys occurs at a position that is not conserved and is located in the beta-adaptin interaction domain (Tavtigian 2009). In silico analyses are inconsistent regarding the effect this variant may have on protein structure and function. Based on currently available evidence, it is unclear whether ATM Ser1232Cys is a pathogenic or benign variant. We consider it to be a variant of uncertain significance.

Natera, Inc.
Classification: Uncertain significance for Ataxia-telangiectasia. Last evaluated: 2020-09-16. Review status: no assertion criteria provided. Collection method: clinical testing. Allele origin: germline. Not counted in ClinVar's aggregate classification.

Literature cited by the submitters: PubMed 28652578 (cited by Ambry Genetics); PubMed 37091313 (cited by Practice for Gait Abnormalities, David Pomarino, Competency Network Toe Walking C/o Practice Pomarino).